The following is an entry in ClinVar:

ClinVar aggregate classification (germline): Uncertain significance. Review status: criteria provided, multiple submitters, no conflicts (2 of 4 stars). 3 submissions from 3 submitters: Uncertain significance (3). Last evaluated 2026-05-20.

Conditions:
DST-related disorder. Also called: DST-related condition; DST-related disorders.
Epidermolysis bullosa simplex 3, localized or generalized intermediate, with BP230 deficiency (EBS3). Also called: Epidermolysis bullosa simplex, autosomal recessive 2; Epidermolysis bullosa simplex due to BP230 deficiency. Identifiers: Orphanet 412181, MedGen C3809470, MONDO:0014180, OMIM 615425.
Hereditary sensory and autonomic neuropathy type 6. Also called: HSAN VI; Neuropathy, hereditary sensory and autonomic, type VI. Identifiers: Orphanet 314381, MedGen C3539003, MONDO:0013839, OMIM 614653.

Allele frequency attached by ClinVar (database versions not stated): gnomAD 0.00004 and 0.00005; TOPMed 0.00013; 1000 Genomes Project 0.00040; 1000 Genomes Project 30x 0.00047.
gnomAD v4.1: 40 of 1,612,968 alleles (0.0025%); highest among the groups gnomAD compares: Admixed American, 0.023%; no homozygotes.

Submissions (3):

PreventionGenetics, part of Exact Sciences
Classification: Uncertain significance for DST-related condition. Last evaluated: 2026-05-20. Review status: criteria provided, single submitter. Criteria: ACMG Guidelines, 2015. Collection method: clinical testing. Allele origin: germline.
Comment: The DST c.6464G>T variant is predicted to result in the amino acid substitution p.Cys2155Phe. To our knowledge, this variant has not been reported in the literature. This variant is reported in 0.0085% of alleles in individuals of Latino descent in gnomAD. At this time, the clinical significance of this variant is uncertain due to the absence of conclusive functional and genetic evidence.

Dasa
Classification: Uncertain significance. Last evaluated: 2026-01-08. Review status: criteria provided, single submitter. Criteria: DASA Assertion Criteria. Collection method: clinical testing. Allele origin: germline.
Comment: NM_001374736.1(DST):c.12821G>T (p.Cys4274Phe) is a missense variant that results in the substitution of cysteine with phenylalanine. This variant is rare in population databases. Computational prediction algorithms are consistent with a benign effect. The currently available literature and clinical evidence are not sufficient to establish a definitive association between this variant and the reported condition. Therefore, this variant is classified as a variant of uncertain significance.

Labcorp Genetics (formerly Invitae), Labcorp
Classification: Uncertain significance for Epidermolysis bullosa simplex 3, localized or generalized intermediate, with BP230 deficiency; Hereditary sensory and autonomic neuropathy type 6. Last evaluated: 2022-02-10. Review status: criteria provided, single submitter. Criteria: Invitae Variant Classification Sherloc (09022015). Collection method: clinical testing. Allele origin: germline.
Comment: The DST gene has multiple clinically relevant transcripts. This variant occurs in alternate transcript NM_015548.4, and corresponds to NM_001723.5:c.*23253G>T in the primary transcript. This sequence change replaces cysteine, which is neutral and slightly polar, with phenylalanine, which is neutral and non-polar, at codon 1651 of the DST protein (p.Cys1651Phe). This variant is present in population databases (rs192015183, gnomAD 0.009%). This variant has not been reported in the literature in individuals affected with DST-related conditions. Experimental studies and prediction algorithms are not available or were not evaluated, and the functional significance of this variant is currently unknown. In summary, the available evidence is currently insufficient to determine the role of this variant in disease. Therefore, it has been classified as a Variant of Uncertain Significance.

NM_001374736.1(DST):c.12821G>T (p.Cys4274Phe)

Gene: DST (dystonin; minus strand). Cytogenetic location: 6p12.1.
Variant type: single nucleotide variant.
Coding change: c.12821G>T on transcript NM_001374736.1 (MANE Select); coding-DNA position 12821, G replaced by T.
Protein change: p.Cys4274Phe; replaces cysteine 4274 with phenylalanine.
Molecular consequence: missense variant.
Genome position (GRCh38, 1-based): chr6:56,592,264, C>A on the plus strand (G>T on the coding strand, the complement: DST is on the minus strand). VCF-style: chr6-56592264-C-A. GRCh37 (hg19) VCF-style: chr6-56457062-C-A.
Other names: c.6464G>T, p.Cys2155Phe (NM_001144769.5); c.6050G>T, p.Cys2017Phe (NM_001144770.2); c.12821G>T, p.Cys4274Phe (NM_001374722.1); c.12188G>T, p.Cys4063Phe (NM_001374729.1); c.5930G>T, p.Cys1977Phe (NM_001374730.1, NM_001386100.1, NM_183380.4); c.12848G>T, p.Cys4283Phe (NM_001374734.1); c.4952G>T, p.Cys1651Phe (NM_015548.5); c.6464G>T (NM_001144769.2); short protein forms C4063F, C2155F, C4274F, C4283F, C1651F, C1977F, C2017F.
Identifiers: ClinVar variation 1422820 (VCV001422820.6), dbSNP rs192015183, ClinGen allele CA3868384.